The following is an entry in ClinVar:

NM_005604.4(POU3F2):c.147G>T (p.Gln49His)

Gene: POU3F2 (POU class 3 homeobox 2; plus strand). Cytogenetic location: 6q16.1.
Variant type: single nucleotide variant.
Coding change: c.147G>T on transcript NM_005604.4 (MANE Select); coding-DNA position 147, G replaced by T.
Protein change: p.Gln49His; replaces glutamine 49 with histidine.
Molecular consequence: missense variant.
Genome position (GRCh38, 1-based): chr6:98,835,020, G>T. VCF-style: chr6-98835020-G-T. GRCh37 (hg19) VCF-style: chr6-99282896-G-T.
Other names: short protein forms Q49H.
Identifiers: ClinVar variation 3423229 (VCV003423229.3).

ClinVar aggregate classification (germline): Uncertain significance. Review status: criteria provided, multiple submitters, no conflicts (2 of 4 stars). 2 submissions from 2 submitters: Uncertain significance (2). Last evaluated 2026-06-01.

Conditions:
Inborn genetic diseases. Identifiers: MedGen C0950123, MeSH D030342.

Submissions (2):

CeGaT Center for Human Genetics Tuebingen
Classification: Uncertain significance. Last evaluated: 2026-06-01. Review status: criteria provided, single submitter. Criteria: CeGaT Center For Human Genetics Tuebingen Variant Classification Criteria Version 2. Collection method: clinical testing. Allele origin: germline. Affected: yes. Observed: 1 variant allele.
Comment: POU3F2: PP3

Ambry Genetics
Classification: Uncertain significance for Inborn genetic diseases. Last evaluated: 2024-09-30. Review status: criteria provided, single submitter. Criteria: Ambry Variant Classification Scheme 2023. Collection method: clinical testing. Allele origin: germline.